The following is an entry in ClinVar:

NM_006180.6(NTRK2):c.2126G>A (p.Gly709Glu)

Gene: NTRK2 (neurotrophic receptor tyrosine kinase 2; plus strand). Cytogenetic location: 9q21.33.
Variant type: single nucleotide variant.
Coding change: c.2126G>A on transcript NM_006180.6 (MANE Select); coding-DNA position 2126, G replaced by A.
Protein change: p.Gly709Glu; replaces glycine 709 with glutamic acid.
Molecular consequence: missense variant.
Genome position (GRCh38, 1-based): chr9:84,955,471, G>A. VCF-style: chr9-84955471-G-A. GRCh37 (hg19) VCF-style: chr9-87570386-G-A.
Other names: c.2078G>A, p.Gly693Glu (NM_001018064.3, NM_001369532.1, NM_001369533.1); c.2042G>A, p.Gly681Glu (NM_001369534.1); c.1610G>A, p.Gly537Glu (NM_001369535.1); c.1658G>A, p.Gly553Glu (NM_001369536.1); short protein forms G537E, G693E, G709E, G553E, G681E.
Identifiers: ClinVar variation 3408302 (VCV003408302.1).

ClinVar aggregate classification (germline): Uncertain significance (1 of 4 stars; one submission).

Conditions:
Inborn genetic diseases. Identifiers: MedGen C0950123, MeSH D030342.

gnomAD v4.1: 1 of 1,614,240 alleles (0.000062%); highest among the groups gnomAD compares: Non-Finnish European, 0.000085%; no homozygotes.

Submission:

Ambry Genetics
Classification: Uncertain significance for Inborn genetic diseases. Last evaluated: 2024-11-01. Review status: criteria provided, single submitter. Criteria: Ambry Variant Classification Scheme 2023. Collection method: clinical testing. Allele origin: germline.
Comment: The c.2126G>A (p.G709E) alteration is located in exon 19 (coding exon 16) of the NTRK2 gene. This alteration results from a G to A substitution at nucleotide position 2126, causing the glycine (G) at amino acid position 709 to be replaced by a glutamic acid (E). This variant was not reported in population-based cohorts in the Genome Aggregation Database (gnomAD). This amino acid position is highly conserved in available vertebrate species. This missense alteration is located in a region that has a low rate of benign missense variation (Lek, 2016; Firth, 2009). This alteration is predicted to be deleterious by in silico analysis. Based on insufficient or conflicting evidence, the clinical significance of this alteration remains unclear.